The following is an entry in ClinVar:

NM_001040716.2(PC):c.3435G>T (p.Met1145Ile)

Gene: PC (pyruvate carboxylase; minus strand). Cytogenetic location: 11q13.2.
Variant type: single nucleotide variant.
Coding change: c.3435G>T on transcript NM_001040716.2 (MANE Select); coding-DNA position 3435, G replaced by T.
Protein change: p.Met1145Ile; replaces methionine 1145 with isoleucine.
Molecular consequence: missense variant.
Genome position (GRCh38, 1-based): chr11:66,849,001, C>A on the plus strand (G>T on the coding strand, the complement: PC is on the minus strand). VCF-style: chr11-66849001-C-A. GRCh37 (hg19) VCF-style: chr11-66616472-C-A.
Other names: c.3435G>T (NM_001040716.1); c.3435G>T, p.Met1145Ile (NM_000920.4, NM_022172.3); short protein forms M1145I.
Identifiers: ClinVar variation 305616 (VCV000305616.19), dbSNP rs201796252, ClinGen allele CA6130782.

ClinVar aggregate classification (germline): Conflicting classifications of pathogenicity. Review status: criteria provided, conflicting classifications (1 of 4 stars). 4 submissions from 4 submitters: Uncertain significance (2); Likely benign (1). 1 of the submissions does not count toward it. Last evaluated 2026-01-26.

Conditions:
PC-related disorder. Also called: PC-related condition.
Pyruvate carboxylase deficiency. Also called: ATAXIA WITH LACTIC ACIDOSIS II; LEIGH NECROTIZING ENCEPHALOPATHY DUE TO PYRUVATE CARBOXYLASE DEFICIENCY; LEIGH SYNDROME DUE TO PYRUVATE CARBOXYLASE DEFICIENCY; PC DEFICIENCY; Pyruvate Carboxylase Deficiency Disease. Identifiers: Orphanet 3008, MedGen C0034341, MONDO:0009949, OMIM 266150.

Allele frequency attached by ClinVar (database versions not stated): gnomAD 0.00003 and 0.00007; TOPMed 0.00006; gnomAD exomes 0.00016 and 0.00018; ExAC 0.00022; 1000 Genomes Project 30x 0.00031; 1000 Genomes Project 0.00040.

Submissions (4):

Labcorp Genetics (formerly Invitae), Labcorp
Classification: Likely benign for Pyruvate carboxylase deficiency. Last evaluated: 2026-01-26. Review status: criteria provided, single submitter. Criteria: Invitae Variant Classification Sherloc (09022015). Collection method: clinical testing. Allele origin: germline.

GeneDx
Classification: Uncertain significance. Last evaluated: 2022-05-23. Review status: criteria provided, single submitter. Criteria: GeneDx Variant Classification Process June 2021. Collection method: clinical testing. Allele origin: germline. Affected: yes.
Comment: In silico analysis supports that this missense variant has a deleterious effect on protein structure/function; Has not been previously published as pathogenic or benign to our knowledge

Illumina Laboratory Services, Illumina
Classification: Uncertain significance for Pyruvate carboxylase deficiency. Last evaluated: 2018-01-12. Review status: criteria provided, single submitter. Criteria: ICSL Variant Classification Criteria 13 December 2019. Collection method: clinical testing. Allele origin: germline.

PreventionGenetics, part of Exact Sciences
Classification: Likely benign for PC-related condition. Last evaluated: 2022-02-28. Review status: no assertion criteria provided. Collection method: clinical testing. Allele origin: germline. Not counted in ClinVar's aggregate classification.
Comment: This variant is classified as likely benign based on ACMG/AMP sequence variant interpretation guidelines (Richards et al. 2015 PMID: 25741868, with internal and published modifications).